The following is an entry in ClinVar:

NM_004260.4(RECQL4):c.1399G>A (p.Ala467Thr)

Gene: RECQL4 (RecQ like helicase 4; minus strand). Cytogenetic location: 8q24.3.
Variant type: single nucleotide variant.
Coding change: c.1399G>A on transcript NM_004260.4 (MANE Select); coding-DNA position 1399, G replaced by A.
Protein change: p.Ala467Thr; replaces alanine 467 with threonine.
Molecular consequence: missense variant.
Genome position (GRCh38, 1-based): chr8:144,515,234, C>T on the plus strand (G>A on the coding strand, the complement: RECQL4 is on the minus strand). VCF-style: chr8-144515234-C-T. GRCh37 (hg19) VCF-style: chr8-145740618-C-T.
Other names: short protein forms A467T.
Identifiers: ClinVar variation 567679 (VCV000567679.8), dbSNP rs770371344, ClinGen allele CA4948867.
Genomic context (GRCh38, chr8:144,515,234, plus strand): 5'-GCTCCTGCCCAGGGCGAAAGGCTTGGTGCCCCAGCTGCTCCAGGGCCTGGAACACCTCAG[C>T]CGGCGTCTCTGCAGACACAGATGTTGATCACCATGACTTGAGTCACCCCAACCCCTCAGT-3'
Protein context (NP_004251.4, residues 457-477): GPSGQLAETP[Ala467Thr]EVFQALEQLG

ClinVar aggregate classification (germline): Uncertain significance. Review status: criteria provided, multiple submitters, no conflicts (2 of 4 stars). 2 submissions from 2 submitters: Uncertain significance (2). Last evaluated 2025-07-31.

Conditions:
Baller-Gerold syndrome (BGS). Also called: CRANIOSYNOSTOSIS WITH RADIAL DEFECTS. Identifiers: Orphanet 1225, MedGen C0265308, MONDO:0009039, OMIM 218600.
Inborn genetic diseases. Identifiers: MedGen C0950123, MeSH D030342.

Allele frequency attached by ClinVar (database versions not stated): gnomAD exomes below 0.00001; ExAC 0.00003.
gnomAD v4.1: 2 of 1,587,124 alleles (0.00013%); highest among the groups gnomAD compares: Non-Finnish European, 0.00017%; no homozygotes.

Submissions (2):

Labcorp Genetics (formerly Invitae), Labcorp
Classification: Uncertain significance for Baller-Gerold syndrome. Last evaluated: 2025-07-31. Review status: criteria provided, single submitter. Criteria: Invitae Variant Classification Sherloc (09022015). Collection method: clinical testing. Allele origin: germline.
Comment: This sequence change replaces alanine, which is neutral and non-polar, with threonine, which is neutral and polar, at codon 467 of the RECQL4 protein (p.Ala467Thr). The frequency data for this variant in the population databases is considered unreliable, as metrics indicate poor data quality at this position in the gnomAD database. This variant has not been reported in the literature in individuals affected with RECQL4-related conditions. ClinVar contains an entry for this variant (Variation ID: 567679). Invitae Evidence Modeling of protein sequence and biophysical properties (such as structural, functional, and spatial information, amino acid conservation, physicochemical variation, residue mobility, and thermodynamic stability) indicates that this missense variant is not expected to disrupt RECQL4 protein function with a negative predictive value of 80%. In summary, the available evidence is currently insufficient to determine the role of this variant in disease. Therefore, it has been classified as a Variant of Uncertain Significance.

Ambry Genetics
Classification: Uncertain significance for Inborn genetic diseases. Last evaluated: 2024-12-31. Review status: criteria provided, single submitter. Criteria: Ambry Variant Classification Scheme 2023. Collection method: clinical testing. Allele origin: germline.
Comment: The p.A467T variant (also known as c.1399G>A), located in coding exon 8 of the RECQL4 gene, results from a G to A substitution at nucleotide position 1399. The alanine at codon 467 is replaced by threonine, an amino acid with similar properties. This amino acid position is conserved. In addition, this alteration is predicted to be tolerated by in silico analysis. Based on the available evidence, the clinical significance of this variant remains unclear.